The following is an entry in ClinVar:

ClinVar aggregate classification (germline): Uncertain significance (1 of 4 stars; one submission).

Submission:

Labcorp Genetics (formerly Invitae), Labcorp
Classification: Uncertain significance. Last evaluated: 2022-03-18. Review status: criteria provided, single submitter. Criteria: Invitae Variant Classification Sherloc (09022015). Collection method: clinical testing. Allele origin: germline.
Comment: This sequence change replaces histidine, which is basic and polar, with aspartic acid, which is acidic and polar, at codon 1477 of the LRP5 protein (p.His1477Asp). This variant is not present in population databases (gnomAD no frequency). This variant has not been reported in the literature in individuals affected with LRP5-related conditions. Advanced modeling of protein sequence and biophysical properties (such as structural, functional, and spatial information, amino acid conservation, physicochemical variation, residue mobility, and thermodynamic stability) performed at Invitae indicates that this missense variant is expected to disrupt LRP5 protein function. In summary, the available evidence is currently insufficient to determine the role of this variant in disease. Therefore, it has been classified as a Variant of Uncertain Significance.

NM_002335.4(LRP5):c.4429C>G (p.His1477Asp)

Gene: LRP5 (LDL receptor related protein 5; plus strand). Cytogenetic location: 11q13.2.
Variant type: single nucleotide variant.
Coding change: c.4429C>G on transcript NM_002335.4 (MANE Select); coding-DNA position 4429, C replaced by G.
Protein change: p.His1477Asp; replaces histidine 1477 with aspartic acid.
Molecular consequence: missense variant.
Genome position (GRCh38, 1-based): chr11:68,439,857, C>G. VCF-style: chr11-68439857-C-G. GRCh37 (hg19) VCF-style: chr11-68207325-C-G.
Other names: c.2686C>G, p.His896Asp (NM_001291902.2); short protein forms H896D, H1477D.
Identifiers: ClinVar variation 2108670 (VCV002108670.4), dbSNP rs779029955, ClinGen allele CA381616118.